The following is an entry in ClinVar:

NM_001040108.2(MLH3):c.1855_1863del (p.Lys619_Thr621del)

Gene: MLH3 (mutL homolog 3; minus strand). Cytogenetic location: 14q24.3.
Variant type: Deletion.
Coding change: c.1855_1863del on transcript NM_001040108.2 (MANE Select); coding-DNA positions 1855 to 1863, 9 bases deleted (AAATCAACT; older notation c.1855_1863delAAATCAACT).
Protein change: p.Lys619_Thr621del.
Molecular consequence: inframe indel (on NM_001040108.1).
Genome position (GRCh38, 1-based): chr14:75,047,793-75,047,801, AGTTGATTT deleted on the plus strand (AAATCAACT on the coding strand, the reverse complement: MLH3 is on the minus strand); deleting any 9 consecutive bases within chr14:75,047,793-75,047,805 gives the same sequence; the c. name uses the placement nearest the transcript's 3' end. VCF-style (leftmost placement, unchanged base first): chr14-75047792-CAGTTGATTT-C. GRCh37 (hg19) VCF-style: chr14-75514495-CAGTTGATTT-C.
Other names: c.1855_1863del, p.Lys619_Thr621del (NM_014381.3); c.1855_1863delAAATCAACT (NM_001040108.1).
Identifiers: ClinVar variation 3396727 (VCV003396727.1).

ClinVar aggregate classification (germline): Uncertain significance (1 of 4 stars; one submission).

Submission:

Ambry Genetics
Classification: Uncertain significance. Last evaluated: 2024-10-05. Review status: criteria provided, single submitter. Criteria: Ambry Variant Classification Scheme 2023. Collection method: clinical testing. Allele origin: germline.
Comment: The c.1855_1863delAAATCAACT variant (also known as p.K619_T621del) is located in coding exon 1 of the MLH3 gene. This variant results from an in-frame AAATCAACT deletion at nucleotide positions 1855 to 1863. This results in the in-frame deletion of three amino acids at codons 619 to 621. This amino acid region is not well conserved in available vertebrate species. In addition, this alteration is predicted to be deleterious by in silico analysis (Choi Y et al. PLoS ONE. 2012; 7(10):e46688). Based on the available evidence, the clinical significance of this variant remains unclear.